The following is an entry in ClinVar:

ClinVar aggregate classification (germline): Uncertain significance (1 of 4 stars; one submission).

Conditions:
ABCB4-related disorder. Also called: ABCB4-related disorders; ABCB4-related condition.

Submission:

PreventionGenetics, part of Exact Sciences
Classification: Uncertain significance for ABCB4-related condition. Last evaluated: 2025-11-12. Review status: criteria provided, single submitter. Criteria: ACMG Guidelines, 2015. Collection method: clinical testing. Allele origin: germline.
Comment: The ABCB4 c.882_887delinsCAT variant is predicted to result in an in-frame deletion and insertion. To our knowledge, this variant has not been reported in the literature or in a large population database (gnomAD), indicating this variant is rare. At this time, the clinical significance of this variant is uncertain due to the absence of conclusive functional and genetic evidence.

NM_000443.4(ABCB4):c.882_887delinsCAT (p.Ser296del)

Gene: ABCB4 (ATP binding cassette subfamily B member 4; minus strand). Cytogenetic location: 7q21.12.
Variant type: Indel.
Coding change: c.882_887delinsCAT on transcript NM_000443.4 (MANE Select); coding-DNA positions 882 to 887, TATTTC replaced by CAT.
Protein change: p.Ser296del; deletes serine 296.
Molecular consequence: inframe deletion.
Genome position (GRCh38, 1-based): chr7:87,447,152-87,447,157, GAAATA replaced by ATG on the plus strand (TATTTC replaced by CAT on the coding strand, the reverse complement: ABCB4 is on the minus strand). VCF-style: chr7-87447152-GAAATA-ATG. GRCh37 (hg19) VCF-style: chr7-87076468-GAAATA-ATG.
Other names: c.882_887delinsCAT, p.Ser296del (NM_018849.3, NM_018850.3); short protein forms S296del.
Identifiers: ClinVar variation 4995332 (VCV004995332.1).
Genomic context (GRCh38, chr7:87,447,152, plus strand): 5'-AAGGCCAGTGCATATGATGCATATATTAACAGGAAGGCAATACCCATGGAAATGTTTGCT[GAAATA>ATG]GCTTTTTTAATTCCAATCTCTTTGGCATTTTCTAAATGTTTCTGATACCTACCAGAAAAA-3'